The following is an entry in ClinVar:

NM_020812.4(DOCK6):c.6097C>T (p.Leu2033Phe)

Gene: DOCK6 (dedicator of cytokinesis 6; minus strand). Cytogenetic location: 19p13.2.
Variant type: single nucleotide variant.
Coding change: c.6097C>T on transcript NM_020812.4 (MANE Select); coding-DNA position 6097, C replaced by T.
Protein change: p.Leu2033Phe; replaces leucine 2033 with phenylalanine.
Molecular consequence: missense variant.
Genome position (GRCh38, 1-based): chr19:11,200,312, G>A on the plus strand (C>T on the coding strand, the complement: DOCK6 is on the minus strand). VCF-style: chr19-11200312-G-A. GRCh37 (hg19) VCF-style: chr19-11310988-G-A.
Other names: c.6202C>T, p.Leu2068Phe (NM_001367830.1); short protein forms L2033F, L2068F.
Identifiers: ClinVar variation 585145 (VCV000585145.8), dbSNP rs556988328, ClinGen allele CA9206241.

ClinVar aggregate classification (germline): Likely benign. Review status: criteria provided, multiple submitters, no conflicts (2 of 4 stars). 2 submissions from 2 submitters: Likely benign (2). Last evaluated 2025-12-02.

Conditions:
DOCK6-related disorder. Also called: DOCK6-related condition.
Adams-Oliver syndrome 2 (AOS2). Identifiers: Orphanet 974, MedGen C3280182, MONDO:0013635, OMIM 614219.

Allele frequency attached by ClinVar (database versions not stated): gnomAD 0.00006 and 0.00011; gnomAD exomes 0.00011 and 0.00025; TOPMed 0.00011; ExAC 0.00044; 1000 Genomes Project 30x 0.00078; 1000 Genomes Project 0.00100.
gnomAD v4.1: 168 of 1,563,594 alleles (0.011%); highest among the groups gnomAD compares: East Asian, 0.38%; 1 homozygote.

Submissions (2):

Labcorp Genetics (formerly Invitae), Labcorp
Classification: Likely benign. Last evaluated: 2025-12-02. Review status: criteria provided, single submitter. Criteria: Invitae Variant Classification Sherloc (09022015). Collection method: clinical testing. Allele origin: germline.

PreventionGenetics, part of Exact Sciences
Classification: Likely benign for DOCK6-related condition. Last evaluated: 2025-05-04. Review status: criteria provided, single submitter. Criteria: ACMG Guidelines, 2015. Collection method: clinical testing. Allele origin: germline.
Comment: This variant is classified as likely benign based on ACMG/AMP sequence variant interpretation guidelines (Richards et al. 2015 PMID: 25741868, with internal and published modifications).